The following is an entry in ClinVar:

ClinVar aggregate classification (germline): Uncertain significance. Review status: criteria provided, multiple submitters, no conflicts (2 of 4 stars). 2 submissions from 2 submitters: Uncertain significance (2). Last evaluated 2025-06-03.

Conditions:
Inborn genetic diseases. Identifiers: MedGen C0950123, MeSH D030342.

Allele frequency attached by ClinVar (database versions not stated): ExAC 0.00001; TOPMed 0.00002; gnomAD exomes 0.00001; gnomAD 0.00003.
gnomAD v4.1: 25 of 1,614,064 alleles (0.0015%); highest among the groups gnomAD compares: Middle Eastern, 0.016%; no homozygotes.

Submissions (2):

Ambry Genetics
Classification: Uncertain significance for Inborn genetic diseases. Last evaluated: 2025-06-03. Review status: criteria provided, single submitter. Criteria: Ambry Variant Classification Scheme 2023. Collection method: clinical testing. Allele origin: germline.

Labcorp Genetics (formerly Invitae), Labcorp
Classification: Uncertain significance. Last evaluated: 2024-12-16. Review status: criteria provided, single submitter. Criteria: Invitae Variant Classification Sherloc (09022015). Collection method: clinical testing. Allele origin: germline.
Comment: This sequence change replaces glycine, which is neutral and non-polar, with arginine, which is basic and polar, at codon 616 of the FAT4 protein (p.Gly616Arg). This variant is present in population databases (rs775818322, gnomAD 0.002%). This variant has not been reported in the literature in individuals affected with FAT4-related conditions. ClinVar contains an entry for this variant (Variation ID: 1360481). Invitae Evidence Modeling of protein sequence and biophysical properties (such as structural, functional, and spatial information, amino acid conservation, physicochemical variation, residue mobility, and thermodynamic stability) indicates that this missense variant is not expected to disrupt FAT4 protein function with a negative predictive value of 80%. In summary, the available evidence is currently insufficient to determine the role of this variant in disease. Therefore, it has been classified as a Variant of Uncertain Significance.

NM_001291303.3(FAT4):c.1846G>A (p.Gly616Arg)

Gene: FAT4 (FAT atypical cadherin 4; plus strand). Cytogenetic location: 4q28.1.
Variant type: single nucleotide variant.
Coding change: c.1846G>A on transcript NM_001291303.3 (MANE Select); coding-DNA position 1846, G replaced by A.
Protein change: p.Gly616Arg; replaces glycine 616 with arginine.
Molecular consequence: missense variant.
Genome position (GRCh38, 1-based): chr4:125,318,257, G>A. VCF-style: chr4-125318257-G-A. GRCh37 (hg19) VCF-style: chr4-126239412-G-A.
Other names: c.1846G>A, p.Gly616Arg (NM_001291285.3, NM_024582.6); c.1846G>A (NM_024582.4); short protein forms G616R.
Identifiers: ClinVar variation 1360481 (VCV001360481.5), dbSNP rs775818322, ClinGen allele CA3072064.